The following is an entry in ClinVar:

NM_020778.5(ALPK3):c.2920G>T (p.Glu974Ter)

Gene: ALPK3 (alpha kinase 3; plus strand). Cytogenetic location: 15q25.3.
Variant type: single nucleotide variant.
Coding change: c.2920G>T on transcript NM_020778.5 (MANE Select); coding-DNA position 2920, G replaced by T.
Protein change: p.Glu974Ter; replaces glutamic acid 974 with a stop codon.
Molecular consequence: nonsense.
Genome position (GRCh38, 1-based): chr15:84,857,658, G>T. VCF-style: chr15-84857658-G-T. GRCh37 (hg19) VCF-style: chr15-85400889-G-T.
Other names: short protein forms E974*.
Identifiers: ClinVar variation 1732306 (VCV001732306.3), dbSNP rs2505720978, ClinGen allele CA393359247.
Genomic context (GRCh38, chr15:84,857,658, plus strand): 5'-CCTGGCCTCATAGATTCCCTGAAGAACTACCTGCTTCTGCTGCTGAAGCTGTCCAGCACA[G>T]AGACAAGTGGAGCAGGGGGAGAGTCCCAGGTGGGGGCAGCCACCGGAGGTCTGGTGCCCT-3'

ClinVar aggregate classification (germline): Likely pathogenic. Review status: criteria provided, multiple submitters, no conflicts (2 of 4 stars). 2 submissions from 2 submitters: Likely pathogenic (2). Last evaluated 2025-07-31.

Conditions:
Cardiovascular phenotype. Identifiers: MedGen CN230736.

Submissions (2):

GeneDx
Classification: Likely pathogenic. Last evaluated: 2025-07-31. Review status: criteria provided, single submitter. Criteria: GeneDx Variant Classification Process June 2021. Collection method: clinical testing. Allele origin: germline. Affected: yes.
Comment: Has not been previously published as pathogenic or benign to our knowledge; Not observed at significant frequency in large population cohorts (gnomAD); Nonsense variant predicted to result in protein truncation or nonsense mediated decay in a gene for which loss of function is a known mechanism of disease

Ambry Genetics
Classification: Likely pathogenic for Cardiovascular phenotype. Last evaluated: 2020-07-21. Review status: criteria provided, single submitter. Criteria: Ambry Variant Classification Scheme 2023. Collection method: clinical testing. Allele origin: germline.
Comment: The p.E1176* variant (also known as c.3526G>T), located in coding exon 6 of the ALPK3 gene, results from a G to T substitution at nucleotide position 3526. This changes the amino acid from a glutamic acid to a stop codon within coding exon 6. This alteration is expected to result in loss of function by premature protein truncation or nonsense-mediated mRNA decay. Based on the majority of available evidence to date, this variant is likely to be pathogenic.